The following is an entry in ClinVar:

ClinVar aggregate classification (germline): Conflicting classifications of pathogenicity. Review status: criteria provided, conflicting classifications (1 of 4 stars). 4 submissions from 4 submitters: Uncertain significance (3); Likely benign (1). Last evaluated 2023-12-05.

Conditions:
Hereditary cancer-predisposing syndrome. Also called: Hereditary neoplastic syndrome; Tumor predisposition; Hereditary Cancer Syndrome; Neoplastic Syndromes, Hereditary. Identifiers: Orphanet 140162, MedGen C0027672, MeSH D009386, MONDO:0015356.

Submissions (4):

Color Diagnostics, LLC DBA Color Health
Classification: Uncertain significance for Hereditary cancer-predisposing syndrome. Last evaluated: 2023-12-05. Review status: criteria provided, single submitter. Criteria: ACMG Guidelines, 2015. Collection method: clinical testing. Allele origin: germline.
Comment: This missense variant replaces glycine with serine at codon 934 of the BRCA2 protein. Computational prediction suggests that this variant may not impact protein structure and function (internally defined REVEL score threshold <= 0.5, PMID: 27666373). To our knowledge, functional studies have not been reported for this variant. This variant has not been reported in individuals affected with BRCA2-related disorders in the literature. This variant has not been identified in the general population by the Genome Aggregation Database (gnomAD). The available evidence is insufficient to determine the role of this variant in disease conclusively. Therefore, this variant is classified as a Variant of Uncertain Significance.

University of Washington Department of Laboratory Medicine, University of Washington
Classification: Likely benign for Hereditary cancer-predisposing syndrome. Last evaluated: 2023-03-23. Review status: criteria provided, single submitter. Criteria: Dines et al. (Genet Med. 2020). Collection method: curation. Allele origin: germline.
Comment: Missense variant in a coldspot region where missense variants are very unlikely to be pathogenic (PMID:31911673).

BRCA2 exon 11 coldspot. Reclassification based on statistical prior probability.

Ambry Genetics
Classification: Uncertain significance for Hereditary cancer-predisposing syndrome. Last evaluated: 2021-11-05. Review status: criteria provided, single submitter. Criteria: Ambry Variant Classification Scheme 2023. Collection method: clinical testing. Allele origin: germline.
Comment: The p.G934S variant (also known as c.2800G>A), located in coding exon 10 of the BRCA2 gene, results from a G to A substitution at nucleotide position 2800. The glycine at codon 934 is replaced by serine, an amino acid with similar properties. This amino acid position is poorly conserved in available vertebrate species. In addition, this alteration is predicted to be tolerated by in silico analysis. Since supporting evidence is limited at this time, the clinical significance of this alteration remains unclear.

Genetic Services Laboratory, University of Chicago
Classification: Uncertain significance. Last evaluated: 2021-08-24. Review status: criteria provided, single submitter. Criteria: ACMG Guidelines, 2015. Collection method: clinical testing. Allele origin: germline. Affected: no.
Comment: DNA sequence analysis of the BRCA2 gene demonstrated a sequence change, c.2800G>A, in exon 11 that results in an amino acid change, p.Gly934Ser. This sequence change has not been described in population databases including ExAC and gnomAD. The p.Gly934Ser change affects a poorly conserved amino acid residue located in a domain of the BRCA2 protein that is known to be functional. The p.Gly934Ser substitution appears to be benign using several in-silico pathogenicity prediction tools (SIFT, PolyPhen2, Align GVGD, REVEL). This sequence change does not appear to have been previously described in individuals with BRCA2-related disorders. Due to insufficient evidences and the lack of functional studies, the clinical significance of the p.Gly934Ser change remains unknown at this time.

NM_000059.4(BRCA2):c.2800G>A (p.Gly934Ser)

Gene: BRCA2 (BRCA2 DNA repair associated; plus strand). Cytogenetic location: 13q13.1.
Variant type: single nucleotide variant.
Coding change: c.2800G>A on transcript NM_000059.4 (MANE Select); coding-DNA position 2800, G replaced by A.
Protein change: p.Gly934Ser; replaces glycine 934 with serine.
Molecular consequence: missense variant.
Genome position (GRCh38, 1-based): chr13:32,337,155, G>A. VCF-style: chr13-32337155-G-A. GRCh37 (hg19) VCF-style: chr13-32911292-G-A.
Other names: short protein forms G934S.
Identifiers: ClinVar variation 491225 (VCV000491225.13), dbSNP rs1555282859, ClinGen allele CA387773743.
Genomic context (GRCh38, chr13:32,337,155, plus strand): 5'-TTGACTTGTGTAAACGAACCCATTTTCAAGAACTCTACCATGGTTTTATATGGAGACACA[G>A]GTGATAAACAAGCAACCCAAGTGTCAATTAAAAAAGATTTGGTTTATGTTCTTGCAGAGG-3'
Protein context (NP_000050.3, residues 924-944): NSTMVLYGDT[Gly934Ser]DKQATQVSIK